The following is an entry in ClinVar:

ClinVar aggregate classification (germline): not provided (0 of 4 stars; one submission).

Allele frequency attached by ClinVar (database versions not stated): gnomAD 0.00001; TOPMed 0.00001; gnomAD exomes 0.00002; ExAC 0.00003.
gnomAD v4.1: 32 of 1,613,974 alleles (0.002%); highest among the groups gnomAD compares: Admixed American, 0.0033%; no homozygotes.

Submission:

ITMI
No classification provided. Condition: AllHighlyPenetrant. Last evaluated: 2013-09-19. Review status: no classification provided. Collection method: reference population. Allele origin: germline.
Comment: Please see associated publication for description of ethnicities

Literature cited by the submitters: PubMed 24728327.

NM_152641.4(ARID2):c.2579A>G (p.Asn860Ser)

Gene: ARID2 (AT-rich interaction domain 2; plus strand). Cytogenetic location: 12q12.
Variant type: single nucleotide variant.
Coding change: c.2579A>G on transcript NM_152641.4 (MANE Select); coding-DNA position 2579, A replaced by G.
Protein change: p.Asn860Ser; replaces asparagine 860 with serine.
Molecular consequence: missense variant.
Genome position (GRCh38, 1-based): chr12:45,850,702, A>G. VCF-style: chr12-45850702-A-G. GRCh37 (hg19) VCF-style: chr12-46244485-A-G.
Other names: c.2579A>G, p.Asn860Ser (NM_001347839.2); short protein forms N860S.
Identifiers: ClinVar variation 133561 (VCV000133561.1), dbSNP rs147193304, ClinGen allele CA156950.